The following is an entry in ClinVar:

ClinVar aggregate classification (germline): Uncertain significance (1 of 4 stars; one submission).

Conditions:
Hereditary cancer-predisposing syndrome. Also called: Hereditary neoplastic syndrome; Neoplastic Syndromes, Hereditary; Tumor predisposition; Hereditary Cancer Syndrome. Identifiers: Orphanet 140162, MedGen C0027672, MeSH D009386, MONDO:0015356.

Submission:

Ambry Genetics
Classification: Uncertain significance for Hereditary cancer-predisposing syndrome. Last evaluated: 2023-08-14. Review status: criteria provided, single submitter. Criteria: Ambry Variant Classification Scheme 2023. Collection method: clinical testing. Allele origin: germline.
Comment: The c.774_780delAAGAGAAinsT variant, located in coding exon 8 of the BRCA2 gene, results from an in-frame deletion of AAGAGAA and insertion of T at nucleotide positions 774 to 780. This results in the deletion of the glutamine, arginine, and glutamic acid residues at codons 258 to 260 and insertion of a histidine residue. These amino acid positions are not well conserved in available vertebrate species. Since supporting evidence is limited at this time, the clinical significance of this alteration remains unclear.

NM_000059.4(BRCA2):c.774_780delinsT (p.Gln258_Glu260delinsHis)

Gene: BRCA2 (BRCA2 DNA repair associated; plus strand). Cytogenetic location: 13q13.1.
Variant type: Indel.
Coding change: c.774_780delinsT on transcript NM_000059.4 (MANE Select); coding-DNA positions 774 to 780, AAGAGAA replaced by T.
Protein change: p.Gln258_Glu260delinsHis.
Molecular consequence: inframe indel.
Genome position (GRCh38, 1-based): chr13:32,331,011-32,331,017, AAGAGAA replaced by T. VCF-style: chr13-32331011-AAGAGAA-T. GRCh37 (hg19) VCF-style: chr13-32905148-AAGAGAA-T.
Other names: c.774_780delAAGAGAAinsT (NM_000059.3).
Identifiers: ClinVar variation 185584 (VCV000185584.5), dbSNP rs786202291, ClinGen allele CA025253.